The following is an entry in ClinVar:

NM_004817.4(TJP2):c.1211-18T>A

Gene: TJP2 (tight junction protein 2; plus strand). Cytogenetic location: 9q21.11.
Variant type: single nucleotide variant.
Coding change: c.1211-18T>A on transcript NM_004817.4 (MANE Select); 18 bases into the intron before coding-DNA position 1211, T replaced by A.
Molecular consequence: intron variant.
Genome position (GRCh38, 1-based): chr9:69,227,747, T>A. VCF-style: chr9-69227747-T-A. GRCh37 (hg19) VCF-style: chr9-71842663-T-A.
Other names: c.1142-18T>A (NM_001170414.2, NM_001369870.1, NM_001369871.1); c.1211-18T>A (NM_201629.3, NM_001369872.1, NM_001369873.1); c.1223-18T>A (NM_001170415.1, NM_001369875.1, NM_001369874.1); c.1304-18T>A (NM_001170416.2).
Identifiers: ClinVar variation 2106442 (VCV002106442.4), dbSNP rs766031004, ClinGen allele CA193359724.

ClinVar aggregate classification (germline): Uncertain significance (1 of 4 stars; one submission).

Allele frequency attached by ClinVar (database versions not stated): gnomAD exomes below 0.00001; TOPMed below 0.00001; gnomAD 0.00001.
gnomAD v4.1: 3 of 1,511,042 alleles (0.0002%); highest among the groups gnomAD compares: Non-Finnish European, 0.00028%; no homozygotes.

Submission:

Labcorp Genetics (formerly Invitae), Labcorp
Classification: Uncertain significance. Last evaluated: 2022-04-29. Review status: criteria provided, single submitter. Criteria: Invitae Variant Classification Sherloc (09022015). Collection method: clinical testing. Allele origin: germline.
Comment: This variant is not present in population databases (gnomAD no frequency). In summary, the available evidence is currently insufficient to determine the role of this variant in disease. Therefore, it has been classified as a Variant of Uncertain Significance. Algorithms developed to predict the effect of sequence changes on RNA splicing suggest that this variant may create or strengthen a splice site. This variant has not been reported in the literature in individuals affected with TJP2-related conditions. This sequence change falls in intron 7 of the TJP2 gene. It does not directly change the encoded amino acid sequence of the TJP2 protein.